The following is an entry in ClinVar:

NM_001903.5(CTNNA1):c.676C>T (p.Gln226Ter)

Gene: CTNNA1 (catenin alpha 1; plus strand). Cytogenetic location: 5q31.2.
Variant type: single nucleotide variant.
Coding change: c.676C>T on transcript NM_001903.5 (MANE Select); coding-DNA position 676, C replaced by T.
Protein change: p.Gln226Ter; replaces glutamine 226 with a stop codon.
Molecular consequence: nonsense.
Genome position (GRCh38, 1-based): chr5:138,824,617, C>T. VCF-style: chr5-138824617-C-T. GRCh37 (hg19) VCF-style: chr5-138160306-C-T.
Other names: c.676C>T, p.Gln226Ter (NM_001290307.3, NM_001323982.2, NM_001323983.1 and 3 more transcripts); c.367C>T, p.Gln123Ter (NM_001290309.3); c.307C>T, p.Gln103Ter (NM_001290310.3); short protein forms Q123*, Q103*, Q226*.
Identifiers: ClinVar variation 1755337 (VCV001755337.3), dbSNP rs1475281622, ClinGen allele CA361129678.

ClinVar aggregate classification (germline): Pathogenic (1 of 4 stars; one submission).

Conditions:
Hereditary cancer-predisposing syndrome. Also called: Neoplastic Syndromes, Hereditary; Tumor predisposition; Hereditary Cancer Syndrome; Hereditary neoplastic syndrome. Identifiers: Orphanet 140162, MedGen C0027672, MeSH D009386, MONDO:0015356.

Submission:

Ambry Genetics
Classification: Pathogenic for Hereditary cancer-predisposing syndrome. Last evaluated: 2025-07-01. Review status: criteria provided, single submitter. Criteria: Ambry Variant Classification Scheme 2023. Collection method: clinical testing. Allele origin: germline.
Comment: The p.Q226* pathogenic mutation (also known as c.676C>T), located in coding exon 5 of the CTNNA1 gene, results from a C to T substitution at nucleotide position 676. This changes the amino acid from a glutamine to a stop codon within coding exon 5. This variant is considered to be rare based on population cohorts in the Genome Aggregation Database (gnomAD). This alteration is expected to result in loss of function by premature protein truncation or nonsense-mediated mRNA decay. As such, this alteration is interpreted as a disease-causing mutation.